The following is an entry in ClinVar:

ClinVar aggregate classification (germline): Uncertain significance (1 of 4 stars; one submission).

Allele frequency attached by ClinVar (database versions not stated): TOPMed 0.00001; gnomAD 0.00002; gnomAD exomes 0.00004 and 0.00005; ExAC 0.00007.
gnomAD v4.1: 55 of 1,612,400 alleles (0.0034%); highest among the groups gnomAD compares: South Asian, 0.058%; no homozygotes.

Submission:

Labcorp Genetics (formerly Invitae), Labcorp
Classification: Uncertain significance. Last evaluated: 2021-08-30. Review status: criteria provided, single submitter. Criteria: Invitae Variant Classification Sherloc (09022015). Collection method: clinical testing. Allele origin: germline.
Comment: This sequence change replaces glutamic acid with lysine at codon 163 of the CDC45 protein (p.Glu163Lys). The glutamic acid residue is moderately conserved and there is a small physicochemical difference between glutamic acid and lysine. This variant is present in population databases (rs751248371, ExAC 0.05%). This variant has not been reported in the literature in individuals affected with CDC45-related conditions. Algorithms developed to predict the effect of missense changes on protein structure and function are either unavailable or do not agree on the potential impact of this missense change (SIFT: "Deleterious"; PolyPhen-2: "Benign"; Align-GVGD: "Class C0"). Algorithms developed to predict the effect of sequence changes on RNA splicing suggest that this variant may disrupt the consensus splice site. In summary, the available evidence is currently insufficient to determine the role of this variant in disease. Therefore, it has been classified as a Variant of Uncertain Significance.

NM_003504.5(CDC45):c.487G>A (p.Glu163Lys)

Gene: CDC45 (cell division cycle 45; plus strand). Cytogenetic location: 22q11.21.
Variant type: single nucleotide variant.
Coding change: c.487G>A on transcript NM_003504.5 (MANE Select); coding-DNA position 487, G replaced by A.
Protein change: p.Glu163Lys; replaces glutamic acid 163 with lysine.
Molecular consequence: missense variant. On other transcripts: non-coding transcript variant (1).
Genome position (GRCh38, 1-based): chr22:19,494,327, G>A. VCF-style: chr22-19494327-G-A. GRCh37 (hg19) VCF-style: chr22-19481850-G-A.
Other names: c.487G>A, p.Glu163Lys (NM_001178010.2); c.349G>A, p.Glu117Lys (NM_001178011.2); c.451G>A, p.Glu151Lys (NM_001369291.1); short protein forms E151K, E163K, E117K.
Identifiers: ClinVar variation 1435607 (VCV001435607.5), dbSNP rs751248371, ClinGen allele CA10101068.
Genomic context (GRCh38, chr22:19,494,327, plus strand): 5'-TGTGGGGATAAATTCCTGGTGCATTTGCTCCACCTTTTGTTCTCTTTGTCCCTGTATCAG[G>A]AGATAGTGGAGCAAACCATGCGGAGGAGGCAGCGGCGAGAGTGGGAGGCCCGGAGGTGAG-3'
Protein context (NP_003495.1, residues 153-173): PSEKRTRLEE[Glu163Lys]IVEQTMRRRQ